The following is an entry in ClinVar:

NM_000268.4(NF2):c.28A>C (p.Ser10Arg)

Gene: NF2 (NF2, moesin-ezrin-radixin like (MERLIN) tumor suppressor; plus strand). Cytogenetic location: 22q12.2.
Variant type: single nucleotide variant.
Coding change: c.28A>C on transcript NM_000268.4 (MANE Select); coding-DNA position 28, A replaced by C.
Protein change: p.Ser10Arg; replaces serine 10 with arginine.
Molecular consequence: missense variant. On other transcripts: 5 prime UTR variant (4), non-coding transcript variant (1).
Genome position (GRCh38, 1-based): chr22:29,604,026, A>C. VCF-style: chr22-29604026-A-C. GRCh37 (hg19) VCF-style: chr22-30000015-A-C.
Other names: c.-203A>C (NM_001407053.1, NM_001407056.1); c.28A>C, p.Ser10Arg (NM_001407054.1, NM_001407055.1, NM_001407057.1 and 15 more transcripts); c.-613A>C (NM_001407065.1); c.-229A>C (NM_001407067.1); short protein forms S10R.
Identifiers: ClinVar variation 3919134 (VCV003919134.1).

ClinVar aggregate classification (germline): Uncertain significance (1 of 4 stars; one submission).

Conditions:
Hereditary cancer-predisposing syndrome. Also called: Hereditary Cancer Syndrome; Hereditary neoplastic syndrome; Neoplastic Syndromes, Hereditary; Tumor predisposition. Identifiers: Orphanet 140162, MedGen C0027672, MeSH D009386, MONDO:0015356.

Submission:

Ambry Genetics
Classification: Uncertain significance for Hereditary cancer-predisposing syndrome. Last evaluated: 2025-04-23. Review status: criteria provided, single submitter. Criteria: Ambry Variant Classification Scheme 2023. Collection method: clinical testing. Allele origin: germline.
Comment: The p.S10R variant (also known as c.28A>C), located in coding exon 1 of the NF2 gene, results from an A to C substitution at nucleotide position 28. The serine at codon 10 is replaced by arginine, an amino acid with dissimilar properties. This amino acid position is highly conserved in available vertebrate species. In addition, the in silico prediction for this alteration is inconclusive. Based on the available evidence, the clinical significance of this variant remains unclear.